The following is an entry in ClinVar:

ClinVar aggregate classification (germline): Uncertain significance (1 of 4 stars; one submission).

Conditions:
Early-infantile DEE. Also called: Ohtahara syndrome; Early infantile epileptic encephalopathy with suppression bursts; Early infantile epileptic encephalopathy. Identifiers: Orphanet 1934, MedGen C0393706, MONDO:0800491.

Allele frequency attached by ClinVar (database versions not stated): gnomAD exomes below 0.00001.
gnomAD v4.1: 1 of 1,614,104 alleles (0.000062%); highest among the groups gnomAD compares: Middle Eastern, 0.016%; no homozygotes.

Submission:

Labcorp Genetics (formerly Invitae), Labcorp
Classification: Uncertain significance for Early-infantile DEE. Last evaluated: 2021-08-07. Review status: criteria provided, single submitter. Criteria: Invitae Variant Classification Sherloc (09022015). Collection method: clinical testing. Allele origin: germline.
Comment: In summary, the available evidence is currently insufficient to determine the role of this variant in disease. Therefore, it has been classified as a Variant of Uncertain Significance. Algorithms developed to predict the effect of missense changes on protein structure and function are either unavailable or do not agree on the potential impact of this missense change (SIFT: "Deleterious"; PolyPhen-2: "Benign"; Align-GVGD: "Class C25"). This variant has not been reported in the literature in individuals with SCN1A-related conditions. This variant is not present in population databases (ExAC no frequency). This sequence change replaces histidine with tyrosine at codon 553 of the SCN1A protein (p.His553Tyr). The histidine residue is highly conserved and there is a moderate physicochemical difference between histidine and tyrosine.

NM_001165963.4(SCN1A):c.1657C>T (p.His553Tyr)

Gene: SCN1A (sodium voltage-gated channel alpha subunit 1; minus strand). Cytogenetic location: 2q24.3.
Variant type: single nucleotide variant.
Coding change: c.1657C>T on transcript NM_001165963.4 (MANE Select); coding-DNA position 1657, C replaced by T.
Protein change: p.His553Tyr; replaces histidine 553 with tyrosine.
Molecular consequence: missense variant. On other transcripts: 5 prime UTR variant (1), non-coding transcript variant (1).
Genome position (GRCh38, 1-based): chr2:166,045,048, G>A on the plus strand (C>T on the coding strand, the complement: SCN1A is on the minus strand). VCF-style: chr2-166045048-G-A. GRCh37 (hg19) VCF-style: chr2-166901558-G-A.
Other names: c.1657C>T, p.His553Tyr (NM_001165964.3, NM_001202435.3, NM_001353948.2 and 7 more transcripts); c.1654C>T, p.His552Tyr (NM_001353954.2, NM_001353955.2, NM_001353960.2); c.-769C>T (NM_001353961.2); short protein forms H552Y, H553Y.
Identifiers: ClinVar variation 1045626 (VCV001045626.9), dbSNP rs1697628486, ClinGen allele CA349068240.